The following is an entry in ClinVar:

NM_000532.5(PCCB):c.748C>A (p.His250Asn)

Gene: PCCB (propionyl-CoA carboxylase subunit beta; plus strand). Cytogenetic location: 3q22.3.
Variant type: single nucleotide variant.
Coding change: c.748C>A on transcript NM_000532.5 (MANE Select); coding-DNA position 748, C replaced by A.
Protein change: p.His250Asn; replaces histidine 250 with asparagine.
Molecular consequence: missense variant.
Genome position (GRCh38, 1-based): chr3:136,293,849, C>A. VCF-style: chr3-136293849-C-A. GRCh37 (hg19) VCF-style: chr3-136012691-C-A.
Other names: p.His250Asn; c.808C>A, p.His270Asn (NM_001178014.2); short protein forms H250N, H270N.
Identifiers: ClinVar variation 3366366 (VCV003366366.2).

ClinVar aggregate classification (germline): Uncertain significance. Review status: criteria provided, multiple submitters, no conflicts (2 of 4 stars). 2 submissions from 2 submitters: Uncertain significance (2). Last evaluated 2024-08-09.

Submissions (2):

Women's Health and Genetics/Laboratory Corporation of America, LabCorp
Classification: Uncertain significance. Last evaluated: 2024-08-09. Review status: criteria provided, single submitter. Criteria: LabCorp Variant Classification Summary - May 2015. Collection method: clinical testing. Allele origin: germline.
Comment: Variant summary: PCCB c.748C>A (p.His250Asn) results in a conservative amino acid change located in the Acetyl-coenzyme A (CoA) carboxyltransferase N-terminal domain profile (IPR011762) of the encoded protein sequence. Four of five in-silico tools predict a damaging effect of the variant on protein function. The variant was absent in 251160 control chromosomes. The available data on variant occurrences in the general population are insufficient to allow any conclusion about variant significance. To our knowledge, no occurrence of c.748C>A in individuals affected with Propionic Acidemia and no experimental evidence demonstrating its impact on protein function have been reported. No submitters have cited clinical-significance assessments for this variant to ClinVar. Based on the evidence outlined above, the variant was classified as uncertain significance.

Mayo Clinic Laboratories, Mayo Clinic
Classification: Uncertain significance. Last evaluated: 2024-05-20. Review status: criteria provided, single submitter. Criteria: ACMG Guidelines, 2015. Collection method: clinical testing. Allele origin: germline. Observed: 1 variant allele.
Comment: PP3, PM2